The following is an entry in ClinVar:

NM_005188.4(CBL):c.1484del (p.Pro495fs)

Gene: CBL (Cbl proto-oncogene; plus strand). Cytogenetic location: 11q23.3.
Variant type: Deletion.
Coding change: c.1484del on transcript NM_005188.4 (MANE Select); coding-DNA position 1484, one base deleted (C; older notation c.1484delC).
Protein change: p.Pro495fs; shifts the reading frame from proline 495.
Molecular consequence: frameshift variant.
Genome position (GRCh38, 1-based): chr11:119,285,021, C deleted; the last of 5 consecutive C bases (chr11:119,285,017-119,285,021); deleting any one gives the same sequence. VCF-style (leftmost placement, unchanged base first): chr11-119285016-TC-T. GRCh37 (hg19) VCF-style: chr11-119155726-TC-T.
Other names: short protein forms P495fs.
Identifiers: ClinVar variation 1364565 (VCV001364565.6), dbSNP rs2135310015, ClinGen allele CA645576450.

ClinVar aggregate classification (germline): Uncertain significance (1 of 4 stars; one submission).

Conditions:
RASopathy. Also called: Noonan spectrum disorder; rasopathies. Identifiers: Orphanet 536391, MedGen C5555857, MONDO:0021060.

Submission:

Labcorp Genetics (formerly Invitae), Labcorp
Classification: Uncertain significance for RASopathy. Last evaluated: 2021-06-29. Review status: criteria provided, single submitter. Criteria: Invitae Variant Classification Sherloc (09022015). Collection method: clinical testing. Allele origin: germline.
Comment: This sequence change creates a premature translational stop signal (p.Pro495Argfs*120) in the CBL gene. It is expected to result in an absent or disrupted protein product. However, the current clinical and genetic evidence is not sufficient to establish whether loss-of-function variants in CBL cause disease. This variant is not present in population databases (ExAC no frequency). This variant has not been reported in the literature in individuals affected with CBL-related conditions. In summary, the available evidence is currently insufficient to determine the role of this variant in disease. Therefore, it has been classified as a Variant of Uncertain Significance.